The following is an entry in ClinVar:

ClinVar aggregate classification (germline): Pathogenic (1 of 4 stars; one submission).

Conditions:
Developmental and epileptic encephalopathy, 54. Also called: Epileptic encephalopathy, early infantile, 54; HNRNPU-Related Neurodevelopmental Disorder. Identifiers: MedGen C4479319, MONDO:0033363, OMIM 617391.

Submission:

Labcorp Genetics (formerly Invitae), Labcorp
Classification: Pathogenic for Developmental and epileptic encephalopathy, 54. Last evaluated: 2025-08-11. Review status: criteria provided, single submitter. Criteria: Invitae Variant Classification Sherloc (09022015). Collection method: clinical testing. Allele origin: germline.
Comment: This sequence change creates a premature translational stop signal (p.Lys247Valfs*94) in the HNRNPU gene. It is expected to result in an absent or disrupted protein product. Loss-of-function variants in HNRNPU are known to be pathogenic (PMID: 22678713, 28283832). This variant is not present in population databases (gnomAD no frequency). This variant has not been reported in the literature in individuals affected with HNRNPU-related conditions. ClinVar contains an entry for this variant (Variation ID: 2108983). For these reasons, this variant has been classified as Pathogenic.

Literature cited by the submitters: PubMed 22678713; PubMed 28283832.

NM_031844.3(HNRNPU):c.734_738dup (p.Lys247fs)

Gene: HNRNPU (heterogeneous nuclear ribonucleoprotein U; minus strand). Cytogenetic location: 1q44.
Variant type: Duplication.
Coding change: c.734_738dup on transcript NM_031844.3 (MANE Select); coding-DNA positions 734 to 738, 5 bases duplicated (GTGTT; older notation c.734_738dupGTGTT).
Protein change: p.Lys247fs; shifts the reading frame from lysine 247.
Molecular consequence: frameshift variant.
Genome position (GRCh38, 1-based): chr1:244,862,684-244,862,688, AACAC duplicated on the plus strand (GTGTT on the coding strand, the reverse complement: HNRNPU is on the minus strand). VCF-style (leftmost placement, unchanged base first): chr1-244862683-T-TAACAC. GRCh37 (hg19) VCF-style: chr1-245025985-T-TAACAC.
Other names: c.677_681dup, p.Lys228fs (NM_004501.3); short protein forms K247fs, K228fs.
Identifiers: ClinVar variation 2108983 (VCV002108983.4), dbSNP rs2527890422, ClinGen allele CA2580063517.